The following is an entry in ClinVar:

NM_000260.4(MYO7A):c.2164G>A (p.Gly722Ser)

Gene: MYO7A (myosin VIIA; plus strand). Cytogenetic location: 11q13.5.
Variant type: single nucleotide variant.
Coding change: c.2164G>A on transcript NM_000260.4 (MANE Select); coding-DNA position 2164, G replaced by A.
Protein change: p.Gly722Ser; replaces glycine 722 with serine.
Molecular consequence: missense variant.
Genome position (GRCh38, 1-based): chr11:77,175,441, G>A. VCF-style: chr11-77175441-G-A. GRCh37 (hg19) VCF-style: chr11-76886487-G-A.
Other names: c.2164G>A, p.Gly722Ser (NM_001127180.2); c.2131G>A, p.Gly711Ser (NM_001369365.1); short protein forms G722S, G711S.
Identifiers: ClinVar variation 1449695 (VCV001449695.6), dbSNP rs1954557651, ClinGen allele CA381939738.

ClinVar aggregate classification (germline): Uncertain significance (1 of 4 stars; one submission).

Allele frequency attached by ClinVar (database versions not stated): gnomAD exomes below 0.00001; gnomAD 0.00001.
gnomAD v4.1: 6 of 1,613,272 alleles (0.00037%); highest among the groups gnomAD compares: Non-Finnish European, 0.00051%; no homozygotes.

Submission:

Labcorp Genetics (formerly Invitae), Labcorp
Classification: Uncertain significance. Last evaluated: 2021-12-15. Review status: criteria provided, single submitter. Criteria: Invitae Variant Classification Sherloc (09022015). Collection method: clinical testing. Allele origin: germline.
Comment: This sequence change replaces glycine, which is neutral and non-polar, with serine, which is neutral and polar, at codon 722 of the MYO7A protein (p.Gly722Ser). This variant is not present in population databases (gnomAD no frequency). This variant has not been reported in the literature in individuals affected with MYO7A-related conditions. Advanced modeling of protein sequence and biophysical properties (such as structural, functional, and spatial information, amino acid conservation, physicochemical variation, residue mobility, and thermodynamic stability) performed at Invitae indicates that this missense variant is expected to disrupt MYO7A protein function. In summary, the available evidence is currently insufficient to determine the role of this variant in disease. Therefore, it has been classified as a Variant of Uncertain Significance.